The following is an entry in ClinVar:

ClinVar aggregate classification (germline): Likely pathogenic (1 of 4 stars; one submission).

Conditions:
Schimke immuno-osseous dysplasia (SIOD). Also called: Schimke Immunoosseous Dysplasia. Identifiers: Orphanet 1830, MedGen C0877024, MONDO:0009458, OMIM 242900.

Submission:

Natera, Inc.
Classification: Likely pathogenic for Schimke immuno-osseous dysplasia. Last evaluated: 2025-03-20. Review status: criteria provided, single submitter. Criteria: Natera Variant Classification Schema (03/2026). Collection method: clinical testing. Allele origin: germline.
Comment: The c.2264T>G variant in SMARCAL1 is a missense variant predicted to cause substitution of isoleucine to serine at amino acid 755. This variant is rare in the general population with a frequency below the threshold expected for the associated phenotype(s). This variant has been observed in one or more individuals affected with the associated recessive disease, as either homozygous or compound heterozygous with a second variant (PMID: 28796785, 22998683). Computational prediction algorithms indicate this variant is likely to affect gene or protein function. Given the available evidence, this variant is classified as Likely Pathogenic.

Literature cited by the submitters: PubMed 28796785; PubMed 22998683.

NM_014140.4(SMARCAL1):c.2264T>G (p.Ile755Ser)

Gene: SMARCAL1 (SNF2 related chromatin remodeling annealing helicase 1; plus strand). Cytogenetic location: 2q35.
Variant type: single nucleotide variant.
Coding change: c.2264T>G on transcript NM_014140.4 (MANE Select); coding-DNA position 2264, T replaced by G.
Protein change: p.Ile755Ser; replaces isoleucine 755 with serine.
Molecular consequence: missense variant.
Genome position (GRCh38, 1-based): chr2:216,475,288, T>G. VCF-style: chr2-216475288-T-G. GRCh37 (hg19) VCF-style: chr2-217340011-T-G.
Other names: c.2264T>G, p.Ile755Ser (NM_001127207.2); short protein forms I755S.
Identifiers: ClinVar variation 4815602 (VCV004815602.2).